The following is an entry in ClinVar:

NM_020975.6(RET):c.2611G>A (p.Val871Ile)

Gene: RET (ret proto-oncogene; plus strand). Cytogenetic location: 10q11.21.
Variant type: single nucleotide variant.
Coding change: c.2611G>A on transcript NM_020975.6 (MANE Select); coding-DNA position 2611, G replaced by A.
Protein change: p.Val871Ile; replaces valine 871 with isoleucine.
Molecular consequence: missense variant.
Genome position (GRCh38, 1-based): chr10:43,120,084, G>A. VCF-style: chr10-43120084-G-A. GRCh37 (hg19) VCF-style: chr10-43615532-G-A.
Other names: c.2611G>A, p.Val871Ile (NM_000323.2, NM_001406743.1, NM_001406744.1 and 4 more transcripts); c.1849G>A, p.Val617Ile (NM_001355216.2); c.2173G>A, p.Val725Ile (NM_001406771.1, NM_001406773.1); c.2215G>A, p.Val739Ile (NM_001406772.1, NM_001406769.1); c.2086G>A, p.Val696Ile (NM_001406774.1); c.1885G>A, p.Val629Ile (NM_001406775.1, NM_001406776.1, NM_001406777.1 and 1 more transcripts); c.1714G>A, p.Val572Ile (NM_001406779.1, NM_001406780.1, NM_001406781.1 and 1 more transcripts); c.1426G>A, p.Val476Ile (NM_001406790.1, NM_001406788.1, NM_001406789.1); and 11 more; short protein forms V871I, V617I, V572I, V739I, V826I, V828I, V436I, V476I.
Identifiers: ClinVar variation 41842 (VCV000041842.31), dbSNP rs145170911, ClinGen allele CA008940.
Genomic context (GRCh38, chr10:43,120,084, plus strand): 5'-CCAGTGACCGCTGCTGCCTGGCCATGGCCTGACGACTCGTGCTATTTTTCCTCACAGCTC[G>A]TTCATCGGGACTTGGCAGCCAGAAACATCCTGGTAGCTGAGGGGCGGAAGATGAAGATTT-3'
Protein context (NP_066124.1, residues 861-881): GMQYLAEMKL[Val871Ile]HRDLAARNIL

ClinVar aggregate classification (germline): Conflicting classifications of pathogenicity. Review status: criteria provided, conflicting classifications (1 of 4 stars). 18 submissions from 16 submitters: Uncertain significance (10); Benign (1); Likely benign (4). 3 of the submissions do not count toward it. Last evaluated 2026-02-11.

Conditions:
Pheochromocytoma. Also called: MAX-Related Hereditary Paraganglioma-Pheochromocytoma Syndrome. Identifiers: Orphanet 29072, MedGen C0031511, MONDO:0008233, OMIM 171300, HP:0002666.
Multiple endocrine neoplasia type 2B. Also called: MEN IIB; NEUROMATA, MUCOSAL, WITH ENDOCRINE TUMORS; MEN 2B; Multiple endocrine neoplasia, type 3; Multiple Endocrine Neoplasia Type 2B (MEN2B); MUCOSAL NEUROMA SYNDROME. Identifiers: Orphanet 247709, Orphanet 653, MedGen C0025269, MeSH D018814, MONDO:0008082, OMIM 162300.
Familial medullary thyroid carcinoma (MTC). Also called: Thyroid cancer, familial medullary; MTC, familial; Familial Medullary Thyroid Carcinoma (FMTC). Identifiers: Orphanet 653, Orphanet 99361, MedGen C1833921, MONDO:0007958, OMIM 155240.
Multiple endocrine neoplasia type 2A. Also called: Multiple Endocrine Neoplasia Type 2A (MEN2A); MULTIPLE ENDOCRINE NEOPLASIA, TYPE IIA; PTC SYNDROME; SIPPLE SYNDROME; MEN 2A; MEN-2A syndrome. Identifiers: Orphanet 247698, Orphanet 653, MedGen C0025268, MeSH D018813, MONDO:0008234, OMIM 171400.
Hirschsprung disease, susceptibility to, 1 (HSCR1). Also called: RET-Related Hirschsprung Disease. Identifiers: Orphanet 388, MedGen C3888239, MONDO:0007723, OMIM 142623.
Hereditary cancer-predisposing syndrome. Also called: Neoplastic Syndromes, Hereditary; Tumor predisposition; Hereditary Cancer Syndrome; Hereditary neoplastic syndrome. Identifiers: Orphanet 140162, MedGen C0027672, MeSH D009386, MONDO:0015356.
Congenital central hypoventilation. Also called: Congenital Central Hypoventilation Syndrome. Identifiers: Orphanet 661, Orphanet 99803, MedGen C1275808, MONDO:0800031. Disease mechanism: gain of function.
Multiple endocrine neoplasia, type 2 (MEN2). Identifiers: Orphanet 653, MedGen C4048306, MONDO:0019003. Disease mechanism: gain of function.

Allele frequency attached by ClinVar (database versions not stated): gnomAD exomes 0.00008 and 0.00010; TOPMed 0.00009; gnomAD 0.00008 and 0.00009; ExAC 0.00013; 1000 Genomes Project 30x 0.00047; ESP Exome Variant Server 0.00023; 1000 Genomes Project 0.00040.

Submissions (18):

St. Jude Molecular Pathology, St. Jude Children's Research Hospital
Classification: Uncertain significance for Multiple endocrine neoplasia type 2A. Last evaluated: 2026-02-11. Review status: criteria provided, single submitter. Criteria: St. Jude Assertion Criteria 2020. Collection method: clinical testing. Allele origin: germline.
Comment: The RET c.2611G>A p.(Val871Ile) missense change has a maximum subpopulation frequency of 0.042% in gnomAD v2.1.1. The in silico tool REVEL is inconclusive about a pathogenic or benign effect of this variant on protein function. This variant has been reported in one individual with medullary thyroid cancer but has also been reported in unaffected individuals (PMID: 31510104). In summary, the evidence currently available is insufficient to determine the clinical significance of this variant. It has therefore been classified as of uncertain significance.

Labcorp Genetics (formerly Invitae), Labcorp
Classification: Likely benign for Multiple endocrine neoplasia, type 2. Last evaluated: 2026-02-03. Review status: criteria provided, single submitter. Criteria: Invitae Variant Classification Sherloc (09022015). Collection method: clinical testing. Allele origin: germline.

Quest Diagnostics Nichols Institute San Juan Capistrano
Classification: Uncertain significance. Last evaluated: 2025-02-20. Review status: criteria provided, single submitter. Criteria: Quest Diagnostics criteria. Collection method: clinical testing. Allele origin: unknown.

Mayo Clinic Laboratories, Mayo Clinic
Classification: Uncertain significance. Last evaluated: 2025-01-22. Review status: criteria provided, single submitter. Criteria: ACMG Guidelines, 2015. Collection method: clinical testing. Allele origin: germline. Observed: 1 variant allele.
Comment: BS1

Myriad Genetics, Inc.
Classification: Likely benign for Multiple endocrine neoplasia type 2A. Last evaluated: 2024-08-13. Review status: criteria provided, single submitter. Criteria: Myriad Autosomal Dominant, Autosomal Recessive and X-Linked Classification Criteria (2023). Collection method: clinical testing. Allele origin: unknown.
Comment: This variant is considered likely benign. This variant has been observed at a population frequency that is significantly greater than expected given the associated disease prevalence and penetrance.

Mendelics
Classification: Likely benign for Multiple endocrine neoplasia type 2A. Last evaluated: 2024-04-09. Review status: criteria provided, single submitter. Criteria: ACMG Guidelines, 2015. Collection method: clinical testing. Allele origin: unknown.

Color Diagnostics, LLC DBA Color Health
Classification: Uncertain significance for Multiple endocrine neoplasia, type 2. Last evaluated: 2024-03-26. Review status: criteria provided, single submitter. Criteria: ACMG Guidelines, 2015. Collection method: clinical testing. Allele origin: germline.
Comment: This missense variant replaces valine with isoleucine at codon 871 of the RET protein. Computational prediction is inconclusive regarding the impact of this variant on protein structure and function. To our knowledge, functional studies have not been reported for this variant. This variant has been reported in one individual affected with familial medullary thyroid cancer, one individual affected with pheochromocytoma, an individual affected with breast cancer, and two unaffected individuals (PMID: 31510104, 35264596, DOI: DOI 10.7180/kmj.2018.33.3.446). This variant has been identified in 22/281510 chromosomes in the general population by the Genome Aggregation Database (gnomAD). The available evidence is insufficient to determine the role of this variant in disease conclusively. Therefore, this variant is classified as a Variant of Uncertain Significance.

Women's Health and Genetics/Laboratory Corporation of America, LabCorp
Classification: Likely benign. Last evaluated: 2023-09-21. Review status: criteria provided, single submitter. Criteria: LabCorp Variant Classification Summary - May 2015. Collection method: clinical testing. Allele origin: germline.
Comment: Variant summary: RET c.2611G>A (p.Val871Ile) results in a conservative amino acid change located in the Protein kinase domain (IPR000719) of the encoded protein sequence. Three of five in-silico tools predict a damaging effect of the variant on protein function. The variant allele was found at a frequency of 8.4e-05 in 250112 control chromosomes. The observed variant frequency is approximately 2-fold of the estimated maximal expected allele frequency for a pathogenic variant in RET causing Multiple Endocrine Neoplasia Type 2 phenotype (3.7e-05), strongly suggesting that the variant is benign. c.2611G>A has been reported in the literature in individuals affected with hereditary medullary thyroid carcinoma, breast cancer, congenital anomalies of the kidney and urinary tract, and atherosclerosis, with no strong evidence for causality (example, Elisei_2019, Guindalini_2022, Hwang_2014, Johnston_2012). These report(s) do not provide unequivocal conclusions about association of the variant with Multiple Endocrine Neoplasia Type 2. To our knowledge, no experimental evidence demonstrating an impact on protein function has been reported. The following publications have been ascertained in the context of this evaluation (PMID: 31510104, 35264596, 24429398, 22703879). Nine submitters have cited clinical-significance assessments for this variant to ClinVar after 2014 (VUS, n=8, Benign, n=1). Based on the evidence outlined above, the variant was classified as likely benign.

Blueprint Genetics
Classification: Uncertain significance. Last evaluated: 2023-09-04. Review status: criteria provided, single submitter. Criteria: ACMG Guidelines, 2015. Collection method: clinical testing. Allele origin: germline.

GeneDx
Classification: Uncertain significance. Last evaluated: 2023-08-10. Review status: criteria provided, single submitter. Criteria: GeneDx Variant Classification Process June 2021. Collection method: clinical testing. Allele origin: germline. Affected: yes.
Comment: In silico analysis supports that this missense variant does not alter protein structure/function; Observed in an individual with medullary thyroid carcinoma and in an individual with breast cancer (Elisei et al., 2019; Guindalini et al., 2022); This variant is associated with the following publications: (PMID: 22703879, 26034076, 24336963, 31822803, 14633923, 37375228, 31510104, 35264596)

Fulgent Genetics
Classification: Uncertain significance for Hirschsprung disease, susceptibility to, 1; Familial medullary thyroid carcinoma; Multiple endocrine neoplasia type 2B; Pheochromocytoma; Multiple endocrine neoplasia type 2A. Last evaluated: 2022-04-02. Review status: criteria provided, single submitter. Criteria: ACMG Guidelines, 2015. Collection method: clinical testing. Allele origin: unknown.

Sema4
Classification: Uncertain significance for Hereditary cancer-predisposing syndrome. Last evaluated: 2021-12-11. Review status: criteria provided, single submitter. Criteria: Sema4 Curation Guidelines. Collection method: curation. Allele origin: germline.
Comment: The RET c.2611G>A (p.V871I) variant has been reported in heterozygosity in at least 1 individual with medullary thyroid carcinoma (PMID: 31510104). This variant was observed in 13/30522 chromosomes in the South Asian subpopulation, with 0 homozygotes, in the large and broad cohorts of the Genome Aggregation Database (PMID: 32461654). The variant has been reported in ClinVar (Variation ID: 41842). Functional studies have not been performed, and in silico predictions of the variant's effect on protein function are inconclusive. The evidence is insufficient to meet ACMG/AMP criteria for classifying the variant as benign or pathogenic. Thus, the clinical significance of this variant is currently uncertain.

Ambry Genetics
Classification: Benign for Hereditary cancer-predisposing syndrome. Last evaluated: 2021-08-27. Review status: criteria provided, single submitter. Criteria: Ambry Variant Classification Scheme 2023. Collection method: clinical testing. Allele origin: germline.

Fulgent Genetics
Classification: Uncertain significance for Hirschsprung disease, susceptibility to, 1; Familial medullary thyroid carcinoma; Multiple endocrine neoplasia type 2B; Pheochromocytoma; Multiple endocrine neoplasia type 2A; Central hypoventilation syndrome, congenital, 1, with or without Hirschsprung disease. Last evaluated: 2018-10-31. Review status: criteria provided, single submitter. Criteria: ACMG Guidelines, 2015. Collection method: clinical testing. Allele origin: unknown.

Eurofins Ntd Llc (ga)
Classification: Uncertain significance. Last evaluated: 2013-10-24. Review status: criteria provided, single submitter. Criteria: EGL Classification Definitions 2015. Collection method: clinical testing. Allele origin: germline. Observed: 1 variant allele, 1 heterozygote.

Counsyl
Classification: Uncertain significance for Multiple endocrine neoplasia type 2B. Last evaluated: 2016-09-07. Review status: no assertion criteria provided. Collection method: clinical testing. Allele origin: unknown. Not counted in ClinVar's aggregate classification.

Counsyl
Classification: Uncertain significance for Multiple endocrine neoplasia type 2A. Last evaluated: 2016-09-07. Review status: no assertion criteria provided. Collection method: clinical testing. Allele origin: unknown. Not counted in ClinVar's aggregate classification.

Biesecker Lab/Clinical Genomics Section, National Institutes of Health
Classification: Uncertain significance. Last evaluated: 2012-07-13. Review status: no assertion criteria provided. Collection method: research. Allele origin: germline. Affected: no. Observed: 1 variant allele. Study: ClinSeq. Not counted in ClinVar's aggregate classification.
ClinVar note: Converted during submission from variant of unknown significance to Uncertain significance.

Literature cited by the submitters: PubMed 31510104 (cited by 5 submitters); PubMed 35264596 (cited by 3 submitters); PubMed 24429398 (cited by Women's Health and Genetics/Laboratory Corporation of America, LabCorp); PubMed 26034076 (cited by Counsyl); PubMed 24336963 (cited by Counsyl).